The following is an entry in ClinVar:

NM_007294.4(BRCA1):c.543A>C (p.Glu181Asp)

Gene: BRCA1 (BRCA1 DNA repair associated; minus strand). Cytogenetic location: 17q21.31.
Variant type: single nucleotide variant.
Coding change: c.543A>C on transcript NM_007294.4 (MANE Select); coding-DNA position 543, A replaced by C.
Protein change: p.Glu181Asp; replaces glutamic acid 181 with aspartic acid.
Molecular consequence: missense variant. On other transcripts: intron variant (2).
Genome position (GRCh38, 1-based): chr17:43,099,779, T>G on the plus strand (A>C on the coding strand, the complement: BRCA1 is on the minus strand). VCF-style: chr17-43099779-T-G. GRCh37 (hg19) VCF-style: chr17-41251796-T-G.
Other names: c.402A>C, p.Glu134Asp (NM_001407933.1, NM_001407935.1, NM_001407942.1 and 61 more transcripts); c.399A>C, p.Glu133Asp (NM_001407934.1, NM_001407936.1, NM_001407943.1 and 35 more transcripts); c.543A>C, p.Glu181Asp (NM_001407937.1, NM_001407938.1, NM_001407939.1 and 96 more transcripts); c.540A>C, p.Glu180Asp (NM_001407940.1, NM_001407941.1, NM_001407972.1 and 65 more transcripts); c.333A>C, p.Glu111Asp (NM_001407946.1, NM_001407947.1, NM_001407948.1 and 37 more transcripts); c.330A>C, p.Glu110Asp (NM_001407954.1, NM_001407955.1, NM_001407956.1 and 18 more transcripts); c.162A>C, p.Glu54Asp (NM_001407959.1, NM_001407960.1, NM_001407963.1 and 3 more transcripts); c.159A>C, p.Glu53Asp (NM_001407962.1); and 5 more; short protein forms E133D, E134D, E178D, E54D, E136D, E154D, E180D, E111D.
Identifiers: ClinVar variation 3261479 (VCV003261479.1).

ClinVar aggregate classification (germline): Uncertain significance (1 of 4 stars; one submission).

Conditions:
Hereditary cancer-predisposing syndrome. Also called: Hereditary Cancer Syndrome; Tumor predisposition; Hereditary neoplastic syndrome; Neoplastic Syndromes, Hereditary. Identifiers: Orphanet 140162, MedGen C0027672, MeSH D009386, MONDO:0015356.

Submission:

Ambry Genetics
Classification: Uncertain significance for Hereditary cancer-predisposing syndrome. Last evaluated: 2024-05-06. Review status: criteria provided, single submitter. Criteria: Ambry Variant Classification Scheme 2023. Collection method: clinical testing. Allele origin: germline.
Comment: The p.E181D variant (also known as c.543A>C), located in coding exon 6 of the BRCA1 gene, results from an A to C substitution at nucleotide position 543. The glutamic acid at codon 181 is replaced by aspartic acid, an amino acid with highly similar properties. This amino acid position is well conserved in available vertebrate species. In addition, this alteration is predicted to be deleterious by in silico analysis. Based on the available evidence, the clinical significance of this variant remains unclear.